The following is an entry in ClinVar:

ClinVar aggregate classification (germline): Benign/Likely benign. Review status: criteria provided, multiple submitters, no conflicts (2 of 4 stars). 5 submissions from 5 submitters: Benign (4); Likely benign (1). Last evaluated 2026-06-01.

Conditions:
Frontotemporal dementia and/or amyotrophic lateral sclerosis 4. Also called: FTDALS4. Identifiers: Orphanet 275872, MedGen C4225325, MONDO:0014641, OMIM 616439.

Submissions (7):

CeGaT Center for Human Genetics Tuebingen
Classification: Likely benign. Last evaluated: 2026-06-01. Review status: criteria provided, single submitter. Criteria: CeGaT Center For Human Genetics Tuebingen Variant Classification Criteria Version 2. Collection method: clinical testing. Allele origin: germline. Affected: yes. Observed: 31 variant alleles.
Comment: TBK1: BP4, BS2

Women's Health and Genetics/Laboratory Corporation of America, LabCorp
Classification: Benign. Last evaluated: 2026-04-09. Review status: criteria provided, single submitter. Criteria: LabCorp Variant Classification Summary - May 2015. Collection method: clinical testing. Allele origin: germline.
Comment: Variant summary: TBK1 c.1341-3delT alters a conserved nucleotide located close to a canonical splice site and therefore could affect mRNA splicing, leading to a significantly altered protein sequence. Consensus agreement among computation tools predict no significant impact on normal splicing. However, these predictions have yet to be confirmed by functional studies. The variant allele was found at a frequency of 0.007 in 178590 control chromosomes in the gnomAD database, including 4 homozygotes. The observed variant frequency exceeds the estimated maximal expected allele frequency for disease-causing variants in TBK1. To our knowledge, no occurrence of c.1341-3delT in individuals affected with TBK1-related conditions and no experimental evidence demonstrating its impact on protein function have been reported. ClinVar contains an entry for this variant (Variation ID: 475934). Based on the evidence outlined above, the variant was classified as benign.

Labcorp Genetics (formerly Invitae), Labcorp
Classification: Benign for Frontotemporal dementia and/or amyotrophic lateral sclerosis 4. Last evaluated: 2026-02-01. Review status: criteria provided, single submitter. Criteria: Invitae Variant Classification Sherloc (09022015). Collection method: clinical testing. Allele origin: germline.

Mayo Clinic Laboratories, Mayo Clinic
Classification: Benign. Last evaluated: 2023-03-29. Review status: criteria provided, single submitter. Criteria: ACMG Guidelines, 2015. Collection method: clinical testing. Allele origin: germline. Observed: 5 variant alleles.
Comment: BS1, BS2, BP4, BP7

GeneDx
Classification: Benign. Last evaluated: 2020-10-20. Review status: criteria provided, single submitter. Criteria: GeneDx Variant Classification Process June 2021. Collection method: clinical testing. Allele origin: germline. Affected: yes.

Dr. Peter K. Rogan Lab, Western University
No classification provided (evidence only). Condition: Familial cancer of breast. Review status: no classification provided. Collection method: in vitro. Allele origin: not applicable. Functional consequence: skipped exon. Not counted in ClinVar's aggregate classification.

Dr. Peter K. Rogan Lab, Western University
No classification provided (evidence only). Condition: Colon adenocarcinoma. Review status: no classification provided. Collection method: in vitro. Allele origin: not applicable. Functional consequence: skipped exon. Not counted in ClinVar's aggregate classification.

NM_013254.4(TBK1):c.1341-3del

Gene: TBK1 (TANK binding kinase 1; plus strand). Cytogenetic location: 12q14.2.
Variant type: Deletion.
Coding change: c.1341-3del on transcript NM_013254.4 (MANE Select); 3 bases into the intron before coding-DNA position 1341, one base deleted (T; older notation c.1341-3delT).
Molecular consequence: intron variant.
Genome position (GRCh38, 1-based): chr12:64,488,484, T deleted; the last of 7 consecutive T bases (chr12:64,488,478-64,488,484); deleting any one gives the same sequence. VCF-style (leftmost placement, unchanged base first): chr12-64488477-CT-C. GRCh37 (hg19) VCF-style: chr12-64882257-CT-C.
Other names: NC_000012.11:g.64882264del; p.?; c.1341-3delT (NM_013254.4, NM_013254.3).
Identifiers: ClinVar variation 475934 (VCV000475934.38), dbSNP rs201728462, ClinGen allele CA6669044.
Genomic context (GRCh38, chr12:64,488,477, plus strand): 5'-AGTATAATTAGTGATAGATAGAAAAAATAACTCCTTAGATAAACTAATTAGAATAATTTT[CT>C]TTTTTTAGTGAATTAATTAAAGATGATTACAATGAAACTGTTCACAAAAAGACAGAAGTT-3'